The following is an entry in ClinVar:

ClinVar aggregate classification (germline): Uncertain significance. Review status: criteria provided, multiple submitters, no conflicts (2 of 4 stars). 2 submissions from 2 submitters: Uncertain significance (2). Last evaluated 2025-01-26.

Allele frequency attached by ClinVar (database versions not stated): TOPMed 0.00001; gnomAD exomes 0.00003; ExAC 0.00017.
gnomAD v4.1: 41 of 1,557,914 alleles (0.0026%); highest among the groups gnomAD compares: Non-Finnish European, 0.0029%; no homozygotes.

Submissions (2):

Ambry Genetics
Classification: Uncertain significance. Last evaluated: 2025-01-26. Review status: criteria provided, single submitter. Criteria: Ambry Variant Classification Scheme 2023. Collection method: clinical testing. Allele origin: germline.

Labcorp Genetics (formerly Invitae), Labcorp
Classification: Uncertain significance. Last evaluated: 2023-11-07. Review status: criteria provided, single submitter. Criteria: Invitae Variant Classification Sherloc (09022015). Collection method: clinical testing. Allele origin: germline.
Comment: This sequence change replaces arginine, which is basic and polar, with tryptophan, which is neutral and slightly polar, at codon 1242 of the MYH7B protein (p.Arg1242Trp). The frequency data for this variant in the population databases is considered unreliable, as metrics indicate poor data quality at this position in the gnomAD database. This variant has not been reported in the literature in individuals affected with MYH7B-related conditions. Advanced modeling of protein sequence and biophysical properties (such as structural, functional, and spatial information, amino acid conservation, physicochemical variation, residue mobility, and thermodynamic stability) performed at Invitae indicates that this missense variant is expected to disrupt MYH7B protein function with a positive predictive value of 80%. In summary, the available evidence is currently insufficient to determine the role of this variant in disease. Therefore, it has been classified as a Variant of Uncertain Significance.

NM_020884.7(MYH7B):c.3598C>T (p.Arg1200Trp)

Gene: MYH7B (myosin heavy chain 7B; plus strand). Cytogenetic location: 20q11.22.
Variant type: single nucleotide variant.
Coding change: c.3598C>T on transcript NM_020884.7 (MANE Select); coding-DNA position 3598, C replaced by T.
Protein change: p.Arg1200Trp; replaces arginine 1200 with tryptophan.
Molecular consequence: missense variant.
Genome position (GRCh38, 1-based): chr20:34,997,491, C>T. VCF-style: chr20-34997491-C-T. GRCh37 (hg19) VCF-style: chr20-33585294-C-T.
Other names: c.3724C>T (NM_020884.3); short protein forms R1200W.
Identifiers: ClinVar variation 2902964 (VCV002902964.4), dbSNP rs753481344, ClinGen allele CA9827776.
Genomic context (GRCh38, chr20:34,997,491, plus strand): 5'-AGGCTGCGGCGGGAGCTGGAGGAGGCGGCGCTGCGGCACGAGGCCACAGTGGCGGCACTG[C>T]GGCGCAAGCAGGCGGAGGGCGCGGCGGAGCTGGGGGAGCAGGTGGACAGCCTGCAGCGGG-3'
Protein context (NP_065935.4, residues 1190-1210): LRHEATVAAL[Arg1200Trp]RKQAEGAAEL